The following is an entry in ClinVar:

ClinVar aggregate classification (germline): Uncertain significance (1 of 4 stars; one submission).

Submission:

Labcorp Genetics (formerly Invitae), Labcorp
Classification: Uncertain significance. Last evaluated: 2022-08-09. Review status: criteria provided, single submitter. Criteria: Invitae Variant Classification Sherloc (09022015). Collection method: clinical testing. Allele origin: germline.
Comment: In summary, the available evidence is currently insufficient to determine the role of this variant in disease. Therefore, it has been classified as a Variant of Uncertain Significance. Algorithms developed to predict the effect of missense changes on protein structure and function are either unavailable or do not agree on the potential impact of this missense change (SIFT: "Deleterious"; PolyPhen-2: "Probably Damaging"; Align-GVGD: "Class C0"). ClinVar contains an entry for this variant (Variation ID: 1508740). This variant has not been reported in the literature in individuals affected with TAF2-related conditions. This variant is not present in population databases (gnomAD no frequency). This sequence change replaces aspartic acid, which is acidic and polar, with histidine, which is basic and polar, at codon 622 of the TAF2 protein (p.Asp622His).

NM_003184.4(TAF2):c.1864G>C (p.Asp622His)

Gene: TAF2 (TATA-box binding protein associated factor 2; minus strand). Cytogenetic location: 8q24.12.
Variant type: single nucleotide variant.
Coding change: c.1864G>C on transcript NM_003184.4 (MANE Select); coding-DNA position 1864, G replaced by C.
Protein change: p.Asp622His; replaces aspartic acid 622 with histidine.
Molecular consequence: missense variant.
Genome position (GRCh38, 1-based): chr8:119,783,629, C>G on the plus strand (G>C on the coding strand, the complement: TAF2 is on the minus strand). VCF-style: chr8-119783629-C-G. GRCh37 (hg19) VCF-style: chr8-120795869-C-G.
Other names: short protein forms D622H.
Identifiers: ClinVar variation 1508740 (VCV001508740.8), dbSNP rs777182415, ClinGen allele CA371881260.